The following is an entry in ClinVar:

NM_000321.3(RB1):c.1696-14C>T

Gene: RB1 (RB transcriptional corepressor 1; plus strand). Cytogenetic location: 13q14.2.
Variant type: single nucleotide variant.
Coding change: c.1696-14C>T on transcript NM_000321.3 (MANE Select); 14 bases into the intron before coding-DNA position 1696, C replaced by T.
Molecular consequence: intron variant.
Genome position (GRCh38, 1-based): chr13:48,452,979, C>T. VCF-style: chr13-48452979-C-T. GRCh37 (hg19) VCF-style: chr13-49027115-C-T.
Identifiers: ClinVar variation 1678761 (VCV001678761.9), dbSNP rs776912915, ClinGen allele CA032271.
Genomic context (GRCh38, chr13:48,452,979, plus strand): 5'-CAATATGATTTTGATATGTACCTGGGAAAATTATGCTTACTAATGTGGTTTTAATTTCAT[C>T]ATGTTTCATATAGGATTCACCTTTATTTGATCTTATTAAACAATCAAAGGACCGAGAAGG-3'

ClinVar aggregate classification (germline): Conflicting classifications of pathogenicity. Review status: criteria provided, conflicting classifications (1 of 4 stars). 4 submissions from 4 submitters: Likely pathogenic (1); Benign (1); Likely benign (2). Last evaluated 2026-06-22.

Conditions:
Retinoblastoma (RB1). Also called: RETINOBLASTOMA, SOMATIC. Identifiers: Orphanet 790, MedGen C0035335, MeSH D012175, MONDO:0008380, OMIM 180200, HP:0009919. Disease mechanism: loss of function. Inheritance: Both sporadic and heritable forms are tested..

Allele frequency attached by ClinVar (database versions not stated): gnomAD exomes 0.00002 and 0.00001; ExAC 0.00002.
gnomAD v4.1: 12 of 1,611,462 alleles (0.00074%); highest among the groups gnomAD compares: South Asian, 0.011%; no homozygotes.

Submissions (4):

Myriad Genetics, Inc.
Classification: Likely benign for Retinoblastoma. Last evaluated: 2026-06-22. Review status: criteria provided, single submitter. Criteria: Myriad Autosomal Dominant, Autosomal Recessive and X-Linked Classification Criteria (2023). Collection method: clinical testing. Allele origin: unknown.
Comment: This variant is considered likely benign. This variant is intronic and is not expected to impact mRNA splicing.

Labcorp Genetics (formerly Invitae), Labcorp
Classification: Benign for Retinoblastoma. Last evaluated: 2024-02-25. Review status: criteria provided, single submitter. Criteria: Invitae Variant Classification Sherloc (09022015). Collection method: clinical testing. Allele origin: germline.

GeneDx
Classification: Likely benign. Last evaluated: 2019-10-07. Review status: criteria provided, single submitter. Criteria: GeneDx Variant Classification Process June 2021. Collection method: clinical testing. Allele origin: germline. Affected: yes.
Comment: See Variant Classification Assertion Criteria.

Department of Pathology and Laboratory Medicine, Sinai Health System
Classification: Likely pathogenic for retinoblastoma. Review status: criteria provided, single submitter. Criteria: ACMG Guidelines, 2015. Collection method: clinical testing. Allele origin: germline.